The following is an entry in ClinVar:

ClinVar aggregate classification (germline): Uncertain significance (1 of 4 stars; one submission).

Conditions:
Autosomal dominant limb-girdle muscular dystrophy type 1F (LGMDD2). Also called: Limb-girdle muscular dystrophy, type 1F; MUSCULAR DYSTROPHY, LIMB-GIRDLE, AUTOSOMAL DOMINANT 2. Identifiers: Orphanet 55595, MedGen C1842062, MONDO:0012034, OMIM 608423.

Allele frequency attached by ClinVar (database versions not stated): gnomAD exomes below 0.00001.
gnomAD v4.1: 2 of 1,614,036 alleles (0.00012%); highest among the groups gnomAD compares: Non-Finnish European, 0.00017%; no homozygotes.

Submission:

Labcorp Genetics (formerly Invitae), Labcorp
Classification: Uncertain significance for Autosomal dominant limb-girdle muscular dystrophy type 1F. Last evaluated: 2023-07-18. Review status: criteria provided, single submitter. Criteria: Invitae Variant Classification Sherloc (09022015). Collection method: clinical testing. Allele origin: germline.
Comment: Advanced modeling of protein sequence and biophysical properties (such as structural, functional, and spatial information, amino acid conservation, physicochemical variation, residue mobility, and thermodynamic stability) performed at Invitae indicates that this missense variant is not expected to disrupt TNPO3 protein function. This variant has not been reported in the literature in individuals affected with TNPO3-related conditions. This variant is not present in population databases (gnomAD no frequency). This sequence change replaces aspartic acid, which is acidic and polar, with asparagine, which is neutral and polar, at codon 787 of the TNPO3 protein (p.Asp787Asn). In summary, the available evidence is currently insufficient to determine the role of this variant in disease. Therefore, it has been classified as a Variant of Uncertain Significance.

NM_012470.4(TNPO3):c.2359G>A (p.Asp787Asn)

Gene: TNPO3 (transportin 3; minus strand). Cytogenetic location: 7q32.1.
Variant type: single nucleotide variant.
Coding change: c.2359G>A on transcript NM_012470.4 (MANE Select); coding-DNA position 2359, G replaced by A.
Protein change: p.Asp787Asn; replaces aspartic acid 787 with asparagine.
Molecular consequence: missense variant. On other transcripts: non-coding transcript variant (18).
Genome position (GRCh38, 1-based): chr7:128,972,497, C>T on the plus strand (G>A on the coding strand, the complement: TNPO3 is on the minus strand). VCF-style: chr7-128972497-C-T. GRCh37 (hg19) VCF-style: chr7-128612551-C-T.
Other names: c.2167G>A, p.Asp723Asn (NM_001191028.3, NM_001382223.1); c.2461G>A, p.Asp821Asn (NM_001382216.1); c.2440G>A, p.Asp814Asn (NM_001382217.1); c.2359G>A, p.Asp787Asn (NM_001382218.1); c.2251G>A, p.Asp751Asn (NM_001382219.1); c.2218G>A, p.Asp740Asn (NM_001382220.1); c.2215G>A, p.Asp739Asn (NM_001382221.1); c.2212G>A, p.Asp738Asn (NM_001382222.1); short protein forms D740N, D739N, D723N, D738N, D787N, D814N, D821N, D751N.
Identifiers: ClinVar variation 2733841 (VCV002733841.3), dbSNP rs2535948269, ClinGen allele CA369252485.